The following is an entry in ClinVar:

NM_002528.7(NTHL1):c.81G>T (p.Glu27Asp)

Gene: NTHL1 (nth like DNA glycosylase 1; minus strand). Cytogenetic location: 16p13.3.
Variant type: single nucleotide variant.
Coding change: c.81G>T on transcript NM_002528.7 (MANE Select); coding-DNA position 81, G replaced by T.
Protein change: p.Glu27Asp; replaces glutamic acid 27 with aspartic acid.
Molecular consequence: missense variant. On other transcripts: 5 prime UTR variant (1).
Genome position (GRCh38, 1-based): chr16:2,047,743, C>A on the plus strand (G>T on the coding strand, the complement: NTHL1 is on the minus strand). VCF-style: chr16-2047743-C-A. GRCh37 (hg19) VCF-style: chr16-2097744-C-A.
Other names: c.81G>T, p.Glu27Asp (NM_001318193.2); c.-98G>T (NM_001318194.2); short protein forms E27D.
Identifiers: ClinVar variation 1495446 (VCV001495446.6), dbSNP rs1596227883, ClinGen allele CA394298337.

ClinVar aggregate classification (germline): Uncertain significance (1 of 4 stars; one submission).

gnomAD v4.1: 6 of 1,585,758 alleles (0.00038%); highest among the groups gnomAD compares: Non-Finnish European, 0.00051%; no homozygotes.

Submission:

Labcorp Genetics (formerly Invitae), Labcorp
Classification: Uncertain significance. Last evaluated: 2021-05-02. Review status: criteria provided, single submitter. Criteria: Invitae Variant Classification Sherloc (09022015). Collection method: clinical testing. Allele origin: germline.
Comment: This sequence change replaces glutamic acid with aspartic acid at codon 35 of the NTHL1 protein (p.Glu35Asp). The glutamic acid residue is weakly conserved and there is a small physicochemical difference between glutamic acid and aspartic acid. This variant is not present in population databases (ExAC no frequency). This variant has not been reported in the literature in individuals with NTHL1-related conditions. Algorithms developed to predict the effect of missense changes on protein structure and function output the following: SIFT: "Not Available"; PolyPhen-2: "Benign"; Align-GVGD: "Not Available". The aspartic acid amino acid residue is found in multiple mammalian species, suggesting that this missense change does not adversely affect protein function. These predictions have not been confirmed by published functional studies and their clinical significance is uncertain. In summary, the available evidence is currently insufficient to determine the role of this variant in disease. Therefore, it has been classified as a Variant of Uncertain Significance.